The following is an entry in ClinVar:

ClinVar aggregate classification (germline): Likely pathogenic (1 of 4 stars; one submission).

Conditions:
Choroideremia. Also called: Chorioretinal scalloped atrophy. Identifiers: Orphanet 180, MedGen C0008525, MONDO:0010557, OMIM 303100, HP:0001139.

Submission:

Natera, Inc.
Classification: Likely pathogenic for Choroideremia. Last evaluated: 2025-08-29. Review status: criteria provided, single submitter. Criteria: Natera Variant Classification Schema (03/2026). Collection method: clinical testing. Allele origin: germline.
Comment: The c.1609+1del variant in CHM is a canonical splice donor site variant predicted to affect pre-mRNA splicing, which may result in an abnormal transcript and altered protein product. This variant is expected to result in nonsense mediated decay, truncation, or a dysfunctional protein product. This variant is rare in the general population with a frequency below the threshold expected for the associated phenotype(s). Given the available evidence, this variant is classified as Likely Pathogenic.

NM_000390.4(CHM):c.1609+1del

Gene: CHM (CHM Rab escort protein; minus strand). Cytogenetic location: Xq21.2.
Variant type: Deletion.
Coding change: c.1609+1del on transcript NM_000390.4 (MANE Select); the canonical splice donor site of the intron after coding-DNA position 1609, one base deleted (G; older notation c.1609+1delG).
Molecular consequence: splice donor variant.
Genome position (GRCh38, 1-based): chrX:85,878,964, C deleted on the plus strand (G on the coding strand, the reverse complement: CHM is on the minus strand); the first of 2 consecutive C bases (chrX:85,878,964-85,878,965); deleting either gives the same sequence. VCF-style (leftmost placement, unchanged base first): chrX-85878963-AC-A. GRCh37 (hg19) VCF-style: chrX-85133968-AC-A.
Other names: c.1165+1del (NM_001362519.1, NM_001362517.1, NM_001320959.1 and 1 more transcripts).
Identifiers: ClinVar variation 4818295 (VCV004818295.1).